The following is an entry in ClinVar:

ClinVar aggregate classification (germline): Uncertain significance (1 of 4 stars; one submission).

Submission:

Labcorp Genetics (formerly Invitae), Labcorp
Classification: Uncertain significance. Last evaluated: 2021-11-14. Review status: criteria provided, single submitter. Criteria: Invitae Variant Classification Sherloc (09022015). Collection method: clinical testing. Allele origin: germline.
Comment: This variant has not been reported in the literature in individuals affected with GPX4-related conditions. In summary, the available evidence is currently insufficient to determine the role of this variant in disease. Therefore, it has been classified as a Variant of Uncertain Significance. Algorithms developed to predict the effect of missense changes on protein structure and function are either unavailable or do not agree on the potential impact of this missense change (SIFT: "Deleterious"; PolyPhen-2: "Not Available"; Align-GVGD: "Class C0"). This variant is not present in population databases (gnomAD no frequency). This sequence change replaces isoleucine, which is neutral and non-polar, with methionine, which is neutral and non-polar, at codon 226 of the GPX4 protein (p.Ile226Met).

NM_002085.5(GPX4):c.567A>G (p.Ile189Met)

Gene: GPX4 (glutathione peroxidase 4; plus strand). Cytogenetic location: 19p13.3.
Variant type: single nucleotide variant.
Coding change: c.567A>G on transcript NM_002085.5 (MANE Select); coding-DNA position 567, A replaced by G.
Protein change: p.Ile189Met; replaces isoleucine 189 with methionine.
Molecular consequence: missense variant.
Genome position (GRCh38, 1-based): chr19:1,106,545, A>G. VCF-style: chr19-1106545-A-G. GRCh37 (hg19) VCF-style: chr19-1106544-A-G.
Other names: c.589A>G, p.Arg197Gly (NM_001039847.3); c.678A>G, p.Ile226Met (NM_001039848.4); c.486A>G, p.Ile162Met (NM_001367832.1); short protein forms I226M, I162M, I189M, R197G.
Identifiers: ClinVar variation 1393193 (VCV001393193.6), dbSNP rs2145171309, ClinGen allele CA402940336.